The following is an entry in ClinVar:

NM_001041.4(SI):c.575T>C (p.Val192Ala)

Gene: SI (sucrase-isomaltase; minus strand). Cytogenetic location: 3q26.1.
Variant type: single nucleotide variant.
Coding change: c.575T>C on transcript NM_001041.4 (MANE Select); coding-DNA position 575, T replaced by C.
Protein change: p.Val192Ala; replaces valine 192 with alanine.
Molecular consequence: missense variant.
Genome position (GRCh38, 1-based): chr3:165,067,400, A>G on the plus strand (T>C on the coding strand, the complement: SI is on the minus strand). VCF-style: chr3-165067400-A-G. GRCh37 (hg19) VCF-style: chr3-164785188-A-G.
Other names: short protein forms V192A.
Identifiers: ClinVar variation 1428913 (VCV001428913.8), dbSNP rs549019064, ClinGen allele CA2691434.
Genomic context (GRCh38, chr3:165,067,400, plus strand): 5'-AAAGTTTTACCGTTGCTTTTCCTAATAACTTGGATGCTAAATGGGTTTTGGGCAACCTTC[A>G]CATCATACAACGTATCAGAAACTGTGGGTCCAGTAAACTCTTTTACATACTGATGAGGAA-3'
Protein context (NP_001032.2, residues 182-202): GPTVSDTLYD[Val192Ala]KVAQNPFSIQ

ClinVar aggregate classification (germline): Uncertain significance (1 of 4 stars; one submission).

Allele frequency attached by ClinVar (database versions not stated): gnomAD exomes below 0.00001; ExAC 0.00001; gnomAD 0.00001; 1000 Genomes Project 0.00020; 1000 Genomes Project 30x 0.00062.
gnomAD v4.1: 1 of 1,612,658 alleles (0.000062%); highest among the groups gnomAD compares: Admixed American, 0.0017%; no homozygotes.

Submission:

Labcorp Genetics (formerly Invitae), Labcorp
Classification: Uncertain significance. Last evaluated: 2024-11-02. Review status: criteria provided, single submitter. Criteria: Invitae Variant Classification Sherloc (09022015). Collection method: clinical testing. Allele origin: germline.
Comment: This sequence change replaces valine, which is neutral and non-polar, with alanine, which is neutral and non-polar, at codon 192 of the SI protein (p.Val192Ala). This variant is present in population databases (rs549019064, gnomAD 0.003%). This variant has not been reported in the literature in individuals affected with SI-related conditions. ClinVar contains an entry for this variant (Variation ID: 1428913). Invitae Evidence Modeling of protein sequence and biophysical properties (such as structural, functional, and spatial information, amino acid conservation, physicochemical variation, residue mobility, and thermodynamic stability) indicates that this missense variant is expected to disrupt SI protein function with a positive predictive value of 95%. In summary, the available evidence is currently insufficient to determine the role of this variant in disease. Therefore, it has been classified as a Variant of Uncertain Significance.